The following is an entry in ClinVar:

NC_000015.9:g.(?_100940599)_(101042056_101061871)dup

Gene: CERS3 (ceramide synthase 3; minus strand). Cytogenetic location: 15q26.3.
Variant type: Duplication.
Identifiers: ClinVar variation 4535680 (VCV004535680.1).

ClinVar aggregate classification (germline): Uncertain significance (1 of 4 stars; one submission).

Submission:

Women's Health and Genetics/Laboratory Corporation of America, LabCorp
Classification: Uncertain significance. Last evaluated: 2025-09-08. Review status: criteria provided, single submitter. Criteria: LabCorp Variant Classification Summary - May 2015. Collection method: clinical testing. Allele origin: germline.
Comment: Variant summary: The variant involves the duplication of exons 4-13 in the CERS3 gene. This duplication includes the entire coding sequence of the gene. As exact breakpoints are unknown, it may extend beyond the annotated region of the gene, to include other flanking genes. A presumed nomenclature of c.(-2+1_-1-1)_(*2319_?)dup has been designated for the purposes of this classification. The variant was absent in 21694 control chromosomes. The available data on variant occurrences in the general population are insufficient to allow any conclusion about variant significance. To our knowledge, no occurrence of c.(-2+1_-1-1)_(*2319_?)dup in individuals affected with CERS3-related conditions and no experimental evidence demonstrating its impact on protein function have been reported. No submitters have cited clinical-significance assessments for this variant to ClinVar. Based on the evidence outlined above, the variant was classified as uncertain significance.